The following is an entry in ClinVar:

NM_002180.3(IGHMBP2):c.2532G>A (p.Ala844=)

Gene: IGHMBP2 (immunoglobulin mu DNA binding protein 2; plus strand). Cytogenetic location: 11q13.3.
Variant type: single nucleotide variant.
Coding change: c.2532G>A on transcript NM_002180.3 (MANE Select); coding-DNA position 2532, G replaced by A.
Protein change: p.Ala844=; no amino-acid change (alanine 844 retained).
Molecular consequence: synonymous variant.
Genome position (GRCh38, 1-based): chr11:68,937,012, G>A. VCF-style: chr11-68937012-G-A. GRCh37 (hg19) VCF-style: chr11-68704480-G-A.
Identifiers: ClinVar variation 258571 (VCV000258571.19), dbSNP rs2228207, ClinGen allele CA6153930.

ClinVar aggregate classification (germline): Benign/Likely benign. Review status: criteria provided, multiple submitters, no conflicts (2 of 4 stars). 6 submissions from 6 submitters: Benign (5); Likely benign (1). Last evaluated 2026-01-28.

Conditions:
Inborn genetic diseases. Identifiers: MedGen C0950123, MeSH D030342.
Charcot-Marie-Tooth disease axonal type 2S. Also called: CHARCOT-MARIE-TOOTH DISEASE, AXONAL, AUTOSOMAL RECESSIVE, TYPE 2S; CHARCOT-MARIE-TOOTH NEUROPATHY, TYPE 2S. Identifiers: Orphanet 443073, MedGen C4015349, MONDO:0014511, OMIM 616155.
Autosomal recessive distal spinal muscular atrophy 1. Also called: NEURONOPATHY, SEVERE INFANTILE AXONAL, WITH RESPIRATORY FAILURE; SEVERE INFANTILE AXONAL NEUROPATHY WITH RESPIRATORY FAILURE; SPINAL MUSCULAR ATROPHY, DIAPHRAGMATIC; Spinal muscular atrophy with respiratory distress 1; HMN VI; NEURONOPATHY, DISTAL HEREDITARY MOTOR, HARDING TYPE VI. Identifiers: Orphanet 98920, MedGen C1858517, MONDO:0011436, OMIM 604320.

Allele frequency attached by ClinVar (database versions not stated): ESP Exome Variant Server 0.00877; TOPMed 0.00822; 1000 Genomes Project 0.01038; 1000 Genomes Project 30x 0.01109.
gnomAD v4.1: 2,195 of 1,608,480 alleles (0.14%); highest among the groups gnomAD compares: African/African-American, 2.5%; 26 homozygotes.

Submissions (6):

Labcorp Genetics (formerly Invitae), Labcorp
Classification: Benign for Autosomal recessive distal spinal muscular atrophy 1; Charcot-Marie-Tooth disease axonal type 2S. Last evaluated: 2026-01-28. Review status: criteria provided, single submitter. Criteria: Invitae Variant Classification Sherloc (09022015). Collection method: clinical testing. Allele origin: germline.

Ambry Genetics
Classification: Likely benign for Inborn genetic diseases. Last evaluated: 2019-07-11. Review status: criteria provided, single submitter. Criteria: Ambry Variant Classification Scheme 2023. Collection method: clinical testing. Allele origin: germline.

GeneDx
Classification: Benign. Last evaluated: 2018-02-07. Review status: criteria provided, single submitter. Criteria: GeneDx Variant Classification (06012015). Collection method: clinical testing. Allele origin: germline. Affected: yes.
Comment: This variant is considered likely benign or benign based on one or more of the following criteria: it is a conservative change, it occurs at a poorly conserved position in the protein, it is predicted to be benign by multiple in silico algorithms, and/or has population frequency not consistent with disease.

Illumina Laboratory Services, Illumina
Classification: Benign for Autosomal recessive distal spinal muscular atrophy 1. Last evaluated: 2018-01-12. Review status: criteria provided, single submitter. Criteria: ICSL Variant Classification Criteria 13 December 2019. Collection method: clinical testing. Allele origin: germline.
Comment: This variant was observed in the ICSL laboratory as part of a predisposition screen in an ostensibly healthy population. It had not been previously curated by ICSL or reported in the Human Gene Mutation Database (HGMD: prior to June 1st, 2018), and was therefore a candidate for classification through an automated scoring system. Utilizing variant allele frequency, disease prevalence and penetrance estimates, and inheritance mode, an automated score was calculated to assess if this variant is too frequent to cause the disease. Based on the score and internal cut-off values, a variant classified as benign is not then subjected to further curation. The score for this variant resulted in a classification of benign for this disease.

Breakthrough Genomics
Classification: Benign. Review status: criteria provided, single submitter. Criteria: ACMG Guidelines, 2015. Collection method: not provided. Allele origin: germline. Inheritance: Autosomal recessive inheritance. Affected: yes.

PreventionGenetics, part of Exact Sciences
Classification: Benign. Review status: criteria provided, single submitter. Criteria: ACMG Guidelines, 2015. Collection method: clinical testing. Allele origin: germline.